The following is an entry in ClinVar:

NM_001267550.2(TTN):c.70758del (p.Gly23587_Leu23588insTer)

Genes: TTN (titin; minus strand), TTN-AS1 (TTN antisense RNA 1; plus strand). Cytogenetic location: 2q31.2.
Variant type: Deletion.
Coding change: c.70758del on transcript NM_001267550.2 (MANE Select); coding-DNA position 70758, one base deleted (A; older notation c.70758delA).
Protein change: p.Gly23587_Leu23588insTer.
Molecular consequence: frameshift variant.
Genome position (GRCh38, 1-based): chr2:178,575,374, T deleted on the plus strand (A on the coding strand, the reverse complement: TTN is on the minus strand); the first of 3 consecutive T bases (chr2:178,575,374-178,575,376); deleting any one gives the same sequence. VCF-style (leftmost placement, unchanged base first): chr2-178575373-CT-C. GRCh37 (hg19) VCF-style: chr2-179440100-CT-C.
Other names: c.65835del, p.Gly21946_Leu21947insTer (NM_001256850.1); c.43563del, p.Gly14522_Leu14523insTer (NM_003319.4); c.63054del, p.Gly21019_Leu21020insTer (NM_133378.4); c.43938del, p.Gly14647_Leu14648insTer (NM_133432.3); c.44139del, p.Gly14714_Leu14715insTer (NM_133437.4).
Identifiers: ClinVar variation 4784066 (VCV004784066.1).

ClinVar aggregate classification (germline): Likely pathogenic (1 of 4 stars; one submission).

Conditions:
Dilated cardiomyopathy 1G (CMD1G). Identifiers: Orphanet 154, MedGen C1858763, MONDO:0011400, OMIM 604145.
Autosomal recessive limb-girdle muscular dystrophy type 2J (LGMDR10). Also called: Limb-girdle muscular dystrophy, type 2J; MUSCULAR DYSTROPHY, LIMB-GIRDLE, AUTOSOMAL RECESSIVE 10. Identifiers: Orphanet 140922, MedGen C1837342, MONDO:0012127, OMIM 608807.

Submission:

Labcorp Genetics (formerly Invitae), Labcorp
Classification: Likely pathogenic for Dilated cardiomyopathy 1G; Autosomal recessive limb-girdle muscular dystrophy type 2J. Last evaluated: 2025-02-10. Review status: criteria provided, single submitter. Criteria: Invitae Variant Classification Sherloc (09022015). Collection method: clinical testing. Allele origin: germline.
Comment: This sequence change creates a premature translational stop signal (p.Leu23588*) in the TTN gene. While this is not anticipated to result in nonsense mediated decay, it is expected to create a truncated TTN protein. This variant is not present in population databases (gnomAD no frequency). This variant has not been reported in the literature in individuals affected with TTN-related conditions. This variant is located in the A band of TTN (PMID: 25589632). Truncating variants in this region are significantly overrepresented in patients affected with dilated cardiomyopathy (PMID: 25589632). Truncating variants in this region have also been reported in individuals affected with autosomal recessive centronuclear myopathy (PMID: 23975875). In summary, the currently available evidence indicates that the variant is pathogenic, but additional data are needed to prove that conclusively. Therefore, this variant has been classified as Likely Pathogenic.

Literature cited by the submitters: PubMed 25589632; PubMed 23975875.